The following is an entry in ClinVar:

NM_032578.4(MYPN):c.2105C>T (p.Ala702Val)

Gene: MYPN (myopalladin; plus strand). Cytogenetic location: 10q21.3.
Variant type: single nucleotide variant.
Coding change: c.2105C>T on transcript NM_032578.4 (MANE Select); coding-DNA position 2105, C replaced by T.
Protein change: p.Ala702Val; replaces alanine 702 with valine.
Molecular consequence: missense variant. On other transcripts: non-coding transcript variant (2).
Genome position (GRCh38, 1-based): chr10:68,174,197, C>T. VCF-style: chr10-68174197-C-T. GRCh37 (hg19) VCF-style: chr10-69933954-C-T.
Other names: c.2105C>T, p.Ala702Val (NM_001256267.2); c.1223C>T, p.Ala408Val (NM_001256268.2); short protein forms A702V, A408V.
Identifiers: ClinVar variation 544026 (VCV000544026.9), dbSNP rs144822514, ClinGen allele CA5522727.

ClinVar aggregate classification (germline): Uncertain significance. Review status: criteria provided, multiple submitters, no conflicts (2 of 4 stars). 2 submissions from 2 submitters: Uncertain significance (2). Last evaluated 2025-02-20.

Conditions:
Dilated cardiomyopathy 1KK (CMD1KK). Identifiers: Orphanet 154, Orphanet 75249, MedGen C3714995, MONDO:0014100, OMIM 615248.
Cardiovascular phenotype. Identifiers: MedGen CN230736.

Allele frequency attached by ClinVar (database versions not stated): ExAC 0.00003; gnomAD exomes 0.00004; ESP Exome Variant Server 0.00008.
gnomAD v4.1: 30 of 1,613,908 alleles (0.0019%); highest among the groups gnomAD compares: Middle Eastern, 0.033%; no homozygotes.

Submissions (2):

Ambry Genetics
Classification: Uncertain significance for Cardiovascular phenotype. Last evaluated: 2025-02-20. Review status: criteria provided, single submitter. Criteria: Ambry Variant Classification Scheme 2023. Collection method: clinical testing. Allele origin: germline.
Comment: The p.A702V variant (also known as c.2105C>T), located in coding exon 10 of the MYPN gene, results from a C to T substitution at nucleotide position 2105. The alanine at codon 702 is replaced by valine, an amino acid with similar properties. This amino acid position is not well conserved in available vertebrate species, and valine is the reference amino acid in other vertebrate species. In addition, this alteration is predicted to be tolerated by in silico analysis. Since supporting evidence is limited at this time, the clinical significance of this alteration remains unclear.

Labcorp Genetics (formerly Invitae), Labcorp
Classification: Uncertain significance for Dilated cardiomyopathy 1KK. Last evaluated: 2023-07-31. Review status: criteria provided, single submitter. Criteria: Invitae Variant Classification Sherloc (09022015). Collection method: clinical testing. Allele origin: germline.
Comment: Algorithms developed to predict the effect of missense changes on protein structure and function output the following: SIFT: "Not Available"; PolyPhen-2: "Benign"; Align-GVGD: "Not Available". The valine amino acid residue is found in multiple mammalian species, which suggests that this missense change does not adversely affect protein function. ClinVar contains an entry for this variant (Variation ID: 544026). This variant has not been reported in the literature in individuals affected with MYPN-related conditions. This variant is present in population databases (rs144822514, gnomAD 0.01%). This sequence change replaces alanine, which is neutral and non-polar, with valine, which is neutral and non-polar, at codon 702 of the MYPN protein (p.Ala702Val). In summary, the available evidence is currently insufficient to determine the role of this variant in disease. Therefore, it has been classified as a Variant of Uncertain Significance.